The following is an entry in ClinVar:

ClinVar aggregate classification (germline): Uncertain significance (1 of 4 stars; one submission).

Conditions:
Hereditary cancer-predisposing syndrome. Also called: Neoplastic Syndromes, Hereditary; Tumor predisposition; Hereditary neoplastic syndrome; Hereditary Cancer Syndrome. Identifiers: Orphanet 140162, MedGen C0027672, MeSH D009386, MONDO:0015356.

Submission:

Ambry Genetics
Classification: Uncertain significance for Hereditary cancer-predisposing syndrome. Last evaluated: 2023-12-11. Review status: criteria provided, single submitter. Criteria: Ambry Variant Classification Scheme 2023. Collection method: clinical testing. Allele origin: germline.
Comment: The p.D499G variant (also known as c.1496A>G), located in coding exon 14 of the TSC2 gene, results from an A to G substitution at nucleotide position 1496. The aspartic acid at codon 499 is replaced by glycine, an amino acid with similar properties. This amino acid position is conserved. In addition, this alteration is predicted to be deleterious by in silico analysis. Since supporting evidence is limited at this time, the clinical significance of this alteration remains unclear.

NM_000548.5(TSC2):c.1496A>G (p.Asp499Gly)

Gene: TSC2 (TSC complex subunit 2; plus strand). Cytogenetic location: 16p13.3.
Variant type: single nucleotide variant.
Coding change: c.1496A>G on transcript NM_000548.5 (MANE Select); coding-DNA position 1496, A replaced by G.
Protein change: p.Asp499Gly; replaces aspartic acid 499 with glycine.
Molecular consequence: missense variant. On other transcripts: 5 prime UTR variant (1), non-coding transcript variant (5).
Genome position (GRCh38, 1-based): chr16:2,064,324, A>G. VCF-style: chr16-2064324-A-G. GRCh37 (hg19) VCF-style: chr16-2114325-A-G.
Other names: c.1496A>G, p.Asp499Gly (NM_001077183.3, NM_001114382.3, NM_001363528.2 and 6 more transcripts); c.1385A>G, p.Asp462Gly (NM_001318827.2, NM_001406670.1, NM_001406678.1); c.1349A>G, p.Asp450Gly (NM_001318829.2, NM_001406675.1, NM_001406676.1 and 1 more transcripts); c.896A>G, p.Asp299Gly (NM_001318831.2, NM_001406680.1, NM_001406682.1 and 6 more transcripts); c.1529A>G, p.Asp510Gly (NM_001318832.2); c.1586A>G, p.Asp529Gly (NM_001406667.1, NM_001406668.1); c.1484A>G, p.Asp495Gly (NM_001406671.1, NM_001406673.1); c.1439A>G, p.Asp480Gly (NM_001406677.1); and 3 more; short protein forms D299G, D345G, D450G, D462G, D480G, D495G, D499G, D510G.
Identifiers: ClinVar variation 3232080 (VCV003232080.1), dbSNP rs749434353, ClinGen allele CA394326003.